The following is an entry in ClinVar:

ClinVar aggregate classification (germline): Uncertain significance (1 of 4 stars; one submission).

Submission:

Labcorp Genetics (formerly Invitae), Labcorp
Classification: Uncertain significance. Last evaluated: 2024-02-13. Review status: criteria provided, single submitter. Criteria: Invitae Variant Classification Sherloc (09022015). Collection method: clinical testing. Allele origin: germline.
Comment: This sequence change replaces methionine, which is neutral and non-polar, with leucine, which is neutral and non-polar, at codon 148 of the CPOX protein (p.Met148Leu). This variant is not present in population databases (gnomAD no frequency). This variant has not been reported in the literature in individuals affected with CPOX-related conditions. Advanced modeling of protein sequence and biophysical properties (such as structural, functional, and spatial information, amino acid conservation, physicochemical variation, residue mobility, and thermodynamic stability) performed at Invitae indicates that this missense variant is not expected to disrupt CPOX protein function with a negative predictive value of 80%. In summary, the available evidence is currently insufficient to determine the role of this variant in disease. Therefore, it has been classified as a Variant of Uncertain Significance.

NM_000097.7(CPOX):c.442A>T (p.Met148Leu)

Gene: CPOX (coproporphyrinogen oxidase; minus strand). Cytogenetic location: 3q11.2.
Variant type: single nucleotide variant.
Coding change: c.442A>T on transcript NM_000097.7 (MANE Select); coding-DNA position 442, A replaced by T.
Protein change: p.Met148Leu; replaces methionine 148 with leucine.
Molecular consequence: missense variant.
Genome position (GRCh38, 1-based): chr3:98,593,063, T>A on the plus strand (A>T on the coding strand, the complement: CPOX is on the minus strand). VCF-style: chr3-98593063-T-A. GRCh37 (hg19) VCF-style: chr3-98311907-T-A.
Other names: short protein forms M148L.
Identifiers: ClinVar variation 3010317 (VCV003010317.3), dbSNP rs901117317, ClinGen allele CA80083843.